The following is an entry in ClinVar:

ClinVar aggregate classification (germline): Pathogenic (1 of 4 stars; one submission).

Conditions:
Hereditary fructosuria. Also called: Hereditary fructose intolerance; ALDOB DEFICIENCY; ALDOLASE B DEFICIENCY; FRUCTOSE-1,6-BISPHOSPHATE ALDOLASE B DEFICIENCY; FRUCTOSE-1-PHOSPHATE ALDOLASE DEFICIENCY; FRUCTOSEMIA. Identifiers: Orphanet 469, MedGen C0016751, MONDO:0009249, OMIM 229600, HP:0005973. Disease mechanism: loss of function.

Submission:

Myriad Genetics, Inc.
Classification: Pathogenic for Hereditary fructosuria. Last evaluated: 2023-09-27. Review status: criteria provided, single submitter. Criteria: Myriad Autosomal Dominant, Autosomal Recessive and X-Linked Classification Criteria (2023). Collection method: clinical testing. Allele origin: unknown.
Comment: NM_000035.3(ALDOB):c.127dupC(R43Pfs*11) is expected to be pathogenic in the context of hereditary fructose intolerance. This variant is predicted to lead to an abnormal or absent protein product due to the creation of a premature termination codon in ALDOB, a gene where loss-of-function variants are known to be pathogenic. Please note: this variant was assessed in the context of healthy population screening.

NM_000035.4(ALDOB):c.127dup (p.Arg43fs)

Gene: ALDOB (aldolase, fructose-bisphosphate B; minus strand). Cytogenetic location: 9q31.1.
Variant type: Duplication.
Coding change: c.127dup on transcript NM_000035.4 (MANE Select); coding-DNA position 127, one base duplicated (C; older notation c.127dupC).
Protein change: p.Arg43fs; shifts the reading frame from arginine 43.
Molecular consequence: frameshift variant.
Genome position (GRCh38, 1-based): chr9:101,429,952, G duplicated on the plus strand (C on the coding strand, the reverse complement: ALDOB is on the minus strand); the first of 2 consecutive G bases (chr9:101,429,952-101,429,953); duplicating either gives the same sequence. VCF-style (leftmost placement, unchanged base first): chr9-101429951-C-CG. GRCh37 (hg19) VCF-style: chr9-104192233-C-CG.
Other names: short protein forms R43fs.
Identifiers: ClinVar variation 5010322 (VCV005010322.1).